The following is an entry in ClinVar:

NM_020297.4(ABCC9):c.4315+2T>C

Genes: ABCC9 (ATP binding cassette subfamily C member 9; minus strand), KCNJ8-AS1 (KCNJ8 antisense RNA 1; plus strand). Cytogenetic location: 12p12.1.
Variant type: single nucleotide variant.
Coding change: c.4315+2T>C on transcript NM_020297.4 (MANE Select); the canonical splice donor site of the intron after coding-DNA position 4315, T replaced by C.
Molecular consequence: splice donor variant.
Genome position (GRCh38, 1-based): chr12:21,809,850, A>G on the plus strand (T>C on the coding strand, the complement: ABCC9 is on the minus strand). VCF-style: chr12-21809850-A-G. GRCh37 (hg19) VCF-style: chr12-21962784-A-G.
Other names: c.3448+2T>C (NM_001377274.1); c.4315+2T>C (NM_005691.4, NM_001377273.1).
Identifiers: ClinVar variation 3725970 (VCV003725970.2).
Genomic context (GRCh38, chr12:21,809,850, plus strand): 5'-GATAGACATATGTAGGATTAATGGCATATATAAAAAATAAATATGCTATTTAGGAAATAT[A>G]CCTAGACCTCCAGGTAGAGATTTGACCATATTCTTCAGCTGAGCAATTTCTAAGGCTTCC-3'

ClinVar aggregate classification (germline): Likely pathogenic (1 of 4 stars; one submission).

Conditions:
Dilated cardiomyopathy 1O (CMD1O). Also called: CARDIOMYOPATHY, DILATED, WITH VENTRICULAR TACHYCARDIA. Identifiers: Orphanet 154, MedGen C1837839, MONDO:0012062, OMIM 608569.

Submission:

Labcorp Genetics (formerly Invitae), Labcorp
Classification: Likely pathogenic for Dilated cardiomyopathy 1O. Last evaluated: 2024-11-24. Review status: criteria provided, single submitter. Criteria: Invitae Variant Classification Sherloc (09022015). Collection method: clinical testing. Allele origin: germline.
Comment: This sequence change affects a donor splice site in intron 35 of the ABCC9 gene. It is expected to disrupt RNA splicing. Variants that disrupt the donor or acceptor splice site typically lead to a loss of protein function (PMID: 16199547), and loss-of-function variants in ABCC9 are known to be pathogenic (PMID: 31575858, 38217872). This variant is not present in population databases (gnomAD no frequency). This variant has not been reported in the literature in individuals affected with ABCC9-related conditions. Algorithms developed to predict the effect of sequence changes on RNA splicing suggest that this variant may disrupt the consensus splice site. In summary, the currently available evidence indicates that the variant is pathogenic, but additional data are needed to prove that conclusively. Therefore, this variant has been classified as Likely Pathogenic.

Literature cited by the submitters: PubMed 16199547; PubMed 31575858; PubMed 38217872.